The following is an entry in ClinVar:

ClinVar aggregate classification (germline): Uncertain significance (1 of 4 stars; one submission).

Conditions:
Progressive spondyloepimetaphyseal dysplasia-short stature-short fourth metatarsals-intellectual disability syndrome. Also called: SPONDYLOEPIMETAPHYSEAL DYSPLASIA, PROGRESSIVE, WITH SHORT STATURE, FACIAL DYSMORPHISM, SHORT FOURTH METATARSALS, AND MENTAL RETARDATION, WITH OR WITHOUT CRANIOSYNOSTOSIS; Spondyloepimetaphyseal dysplasia, Faden-Alkuraya type. Identifiers: Orphanet 457395, MedGen C5568882, MONDO:0014748, OMIM 616723.

Submission:

Baylor Genetics
Classification: Uncertain significance for Progressive spondyloepimetaphyseal dysplasia-short stature-short fourth metatarsals-intellectual disability syndrome. Last evaluated: 2019-12-26. Review status: criteria provided, single submitter. Criteria: ACMG Guidelines, 2015. Collection method: clinical testing. Allele origin: unknown. Affected: yes.
Comment: This variant was determined to be of uncertain significance according to ACMG Guidelines, 2015 [PMID:25741868].

NM_133368.3(RSPRY1):c.1421G>A (p.Cys474Tyr)

Gene: RSPRY1 (ring finger and SPRY domain containing 1; plus strand). Cytogenetic location: 16q13.
Variant type: single nucleotide variant.
Coding change: c.1421G>A on transcript NM_133368.3 (MANE Select); coding-DNA position 1421, G replaced by A.
Protein change: p.Cys474Tyr; replaces cysteine 474 with tyrosine.
Molecular consequence: missense variant.
Genome position (GRCh38, 1-based): chr16:57,231,211, G>A. VCF-style: chr16-57231211-G-A. GRCh37 (hg19) VCF-style: chr16-57265123-G-A.
Other names: c.1421G>A, p.Cys474Tyr (NM_001305163.2, NM_001305164.2); short protein forms C474Y.
Identifiers: ClinVar variation 1029070 (VCV001029070.1), dbSNP rs2075214401, ClinGen allele CA396020441.